The following is an entry in ClinVar:

NM_022458.4(LMBR1):c.423+5362C>T

Genes: LMBR1 (limb development membrane protein 1; minus strand), ZRS (ZPA regulatory sequence; plus strand). Cytogenetic location: 7q36.3.
Variant type: single nucleotide variant.
Coding change: c.423+5362C>T on transcript NM_022458.4 (MANE Select); 5362 bases into the intron after coding-DNA position 423, C replaced by T.
Molecular consequence: intron variant.
Genome position (GRCh38, 1-based): chr7:156,791,027, G>A on the plus strand (C>T on the coding strand, the complement: LMBR1 is on the minus strand). VCF-style: chr7-156791027-G-A. GRCh37 (hg19) VCF-style: chr7-156583721-G-A.
Other names: c.360+5362C>T (NM_001363412.2); c.144+5362C>T (NM_001350954.2); c.423+5362C>T (NM_001363410.2, NM_001363409.2, NM_001350953.2); c.-112+5362C>T (NM_001350958.2, NM_001350956.2, NM_001350955.2 and 1 more transcripts); c.54+5362C>T (NM_001350957.2, NM_001363411.2).
Identifiers: ClinVar variation 2633877 (VCV002633877.1), dbSNP rs2536126593, ClinGen allele CA2695199645.

ClinVar aggregate classification (germline): Uncertain significance (1 of 4 stars; one submission).

Conditions:
LMBR1-related disorder. Also called: LMBR1-related condition.

Submission:

PreventionGenetics, part of Exact Sciences
Classification: Uncertain significance for LMBR1-related condition. Last evaluated: 2023-03-17. Review status: criteria provided, single submitter. Criteria: ACMG Guidelines, 2015. Collection method: clinical testing. Allele origin: germline.
Comment: The LMBR1 c.423+5362C>T variant is predicted to interfere with splicing. This variant is not predicted to interfere with splicing based on splicing prediction programs (Alamut Visual Plus v.1.6.1); however, these programs are not equivalent to functional evidence. To our knowledge, this variant has not been reported in the literature or in a large population database, indicating this variant is rare. Of note, variants within intron 5 of LMBR1 that impact the long-range regulatory element for SSH known as the zone of polarizing activity regulatory sequence (ZRS) (∼chr7:156,583,562-156,584,711) have been documented in patients with polydactyly and digit anomalies (Dai et al. 2013. PubMed ID:23793141; Xiang et al. 2017. PubMed ID: 28127823; Potuijt et al. 2020. PubMed ID: 32179704; Xu et al. 2020. PubMed ID: 31395945). At this time, the clinical significance of this variant is uncertain due to the absence of conclusive functional and genetic evidence.